The following is an entry in ClinVar:

NC_000004.11:g.(?_101947022)_(101961743_?)dup

Gene: PPP3CA (protein phosphatase 3 catalytic subunit alpha; minus strand). Cytogenetic location: 4q24.
Variant type: Duplication.
Identifiers: ClinVar variation 3246710 (VCV003246710.1).

ClinVar aggregate classification (germline): Uncertain significance (1 of 4 stars; one submission).

Submission:

Labcorp Genetics (formerly Invitae), Labcorp
Classification: Uncertain significance. Last evaluated: 2023-11-20. Review status: criteria provided, single submitter. Criteria: Invitae Variant Classification Sherloc (09022015). Collection method: clinical testing. Allele origin: unknown.
Comment: This variant results in a copy number gain of the genomic region encompassing exon(s) 11-14 of the PPP3CA gene. This region includes the termination codon of the gene. This copy number gain extends beyond the assayed region for this gene and therefore may encompass additional genes. As the precise location of this event is unknown, it may be in tandem or it may be located elsewhere in the genome. This variant has not been reported in the literature in individuals affected with PPP3CA-related conditions. Experimental studies and prediction algorithms are not available or were not evaluated, and the functional significance of this variant is currently unknown. In summary, the available evidence is currently insufficient to determine the role of this variant in disease. Therefore, it has been classified as a Variant of Uncertain Significance.